The following is an entry in ClinVar:

NM_000257.4(MYH7):c.4000_4010dup (p.His1338fs)

Gene: MYH7 (myosin heavy chain 7; minus strand). Cytogenetic location: 14q11.2.
Variant type: Duplication.
Coding change: c.4000_4010dup on transcript NM_000257.4 (MANE Select); coding-DNA positions 4000 to 4010, 11 bases duplicated (CAGTCGGCCCG).
Protein change: p.His1338fs; shifts the reading frame from histidine 1338.
Molecular consequence: frameshift variant.
Genome position (GRCh38, 1-based): chr14:23,418,369-23,418,379, CGGGCCGACTG duplicated on the plus strand (CAGTCGGCCCG on the coding strand, the reverse complement: MYH7 is on the minus strand); duplicating any 11 consecutive bases within chr14:23,418,369-23,418,380 gives the same sequence; the c. name uses the placement nearest the transcript's 3' end. VCF-style (leftmost placement, unchanged base first): chr14-23418368-C-CCGGGCCGACTG. GRCh37 (hg19) VCF-style: chr14-23887577-C-CCGGGCCGACTG.
Other names: short protein forms H1338fs.
Identifiers: ClinVar variation 1510641 (VCV001510641.6), dbSNP rs776665465, ClinGen allele CA7116296.

ClinVar aggregate classification (germline): Uncertain significance (1 of 4 stars; one submission).

Conditions:
Hypertrophic cardiomyopathy. Also called: HYPERTROPHIC MYOCARDIOPATHY. Identifiers: Orphanet 217569, MedGen C0007194, MeSH D002312, MONDO:0005045, HP:0001639.

Submission:

Labcorp Genetics (formerly Invitae), Labcorp
Classification: Uncertain significance for Hypertrophic cardiomyopathy. Last evaluated: 2021-08-05. Review status: criteria provided, single submitter. Criteria: Invitae Variant Classification Sherloc (09022015). Collection method: clinical testing. Allele origin: germline.
Comment: This sequence change creates a premature translational stop signal (p.His1338Serfs*95) in the MYH7 gene. It is expected to result in an absent or disrupted protein product. However, the current clinical and genetic evidence is not sufficient to establish whether loss-of-function variants in MYH7 cause disease. The frequency data for this variant in the population databases is considered unreliable, as metrics indicate poor data quality at this position in the ExAC database. This variant has not been reported in the literature in individuals affected with MYH7-related conditions. Algorithms developed to predict the effect of sequence changes on RNA splicing suggest that this variant may create or strengthen a splice site. In summary, the available evidence is currently insufficient to determine the role of this variant in disease. Therefore, it has been classified as a Variant of Uncertain Significance.